The following is an entry in ClinVar:

ClinVar aggregate classification (germline): Uncertain significance (1 of 4 stars; one submission).

gnomAD v4.1: 3 of 1,614,056 alleles (0.00019%); highest among the groups gnomAD compares: Non-Finnish European, 0.00025%; no homozygotes.

Submission:

Labcorp Genetics (formerly Invitae), Labcorp
Classification: Uncertain significance. Last evaluated: 2025-06-22. Review status: criteria provided, single submitter. Criteria: Invitae Variant Classification Sherloc (09022015). Collection method: clinical testing. Allele origin: germline.
Comment: This sequence change replaces proline, which is neutral and non-polar, with serine, which is neutral and polar, at codon 663 of the C3 protein (p.Pro663Ser). This variant is not present in population databases (gnomAD no frequency). This variant has not been reported in the literature in individuals affected with C3-related conditions. Invitae Evidence Modeling of protein sequence and biophysical properties (such as structural, functional, and spatial information, amino acid conservation, physicochemical variation, residue mobility, and thermodynamic stability) indicates that this missense variant is not expected to disrupt C3 protein function with a negative predictive value of 80%. In summary, the available evidence is currently insufficient to determine the role of this variant in disease. Therefore, it has been classified as a Variant of Uncertain Significance.

NM_000064.4(C3):c.1987C>T (p.Pro663Ser)

Gene: C3 (complement C3; minus strand). Cytogenetic location: 19p13.3.
Variant type: single nucleotide variant.
Coding change: c.1987C>T on transcript NM_000064.4 (MANE Select); coding-DNA position 1987, C replaced by T.
Protein change: p.Pro663Ser; replaces proline 663 with serine.
Molecular consequence: missense variant.
Genome position (GRCh38, 1-based): chr19:6,707,526, G>A on the plus strand (C>T on the coding strand, the complement: C3 is on the minus strand). VCF-style: chr19-6707526-G-A. GRCh37 (hg19) VCF-style: chr19-6707537-G-A.
Other names: short protein forms P663S.
Identifiers: ClinVar variation 4743053 (VCV004743053.1).